The following is an entry in ClinVar:

ClinVar aggregate classification (germline): Uncertain significance (1 of 4 stars; one submission).

gnomAD v4.1: 6 of 1,611,866 alleles (0.00037%); highest among the groups gnomAD compares: East Asian, 0.0022%; no homozygotes.

Submission:

Labcorp Genetics (formerly Invitae), Labcorp
Classification: Uncertain significance. Last evaluated: 2025-02-28. Review status: criteria provided, single submitter. Criteria: Invitae Variant Classification Sherloc (09022015). Collection method: clinical testing. Allele origin: germline.
Comment: This sequence change affects codon 201 of the NOG mRNA. It is a 'silent' change, meaning that it does not change the encoded amino acid sequence of the NOG protein. This variant is present in population databases (rs752039942, gnomAD 0.002%). This variant has not been reported in the literature in individuals affected with NOG-related conditions. In summary, the available evidence is currently insufficient to determine the role of this variant in disease. Therefore, it has been classified as a Variant of Uncertain Significance.

NM_005450.6(NOG):c.603G>C (p.Thr201=)

Gene: NOG (noggin; plus strand). Cytogenetic location: 17q22.
Variant type: single nucleotide variant.
Coding change: c.603G>C on transcript NM_005450.6 (MANE Select); coding-DNA position 603, G replaced by C.
Protein change: p.Thr201=; no amino-acid change (threonine 201 retained).
Molecular consequence: synonymous variant.
Genome position (GRCh38, 1-based): chr17:56,594,826, G>C. VCF-style: chr17-56594826-G-C. GRCh37 (hg19) VCF-style: chr17-54672187-G-C.
Identifiers: ClinVar variation 3613003 (VCV003613003.2).